The following is an entry in ClinVar:

NM_001277115.2(DNAH11):c.514T>G (p.Ser172Ala)

Gene: DNAH11 (dynein axonemal heavy chain 11; plus strand). Cytogenetic location: 7p15.3.
Variant type: single nucleotide variant.
Coding change: c.514T>G on transcript NM_001277115.2 (MANE Select); coding-DNA position 514, T replaced by G.
Protein change: p.Ser172Ala; replaces serine 172 with alanine.
Molecular consequence: missense variant.
Genome position (GRCh38, 1-based): chr7:21,558,820, T>G. VCF-style: chr7-21558820-T-G. GRCh37 (hg19) VCF-style: chr7-21598438-T-G.
Other names: c.514T>G, p.Ser172Ala (NM_003777.3); short protein forms S172A.
Identifiers: ClinVar variation 1745668 (VCV001745668.4), dbSNP rs1337921591, ClinGen allele CA366932249.

ClinVar aggregate classification (germline): Conflicting classifications of pathogenicity. Review status: criteria provided, conflicting classifications (1 of 4 stars). 2 submissions from 2 submitters: Uncertain significance (1); Benign (1). Last evaluated 2026-01-12.

Conditions:
Primary ciliary dyskinesia. Also called: Ciliary dyskinesia. Identifiers: Orphanet 244, MedGen C0008780, MONDO:0016575, HP:0012265.

Allele frequency attached by ClinVar (database versions not stated): gnomAD exomes below 0.00001; TOPMed 0.00001.

Submissions (2):

Labcorp Genetics (formerly Invitae), Labcorp
Classification: Benign for Primary ciliary dyskinesia. Last evaluated: 2026-01-12. Review status: criteria provided, single submitter. Criteria: Invitae Variant Classification Sherloc (09022015). Collection method: clinical testing. Allele origin: germline.

Ambry Genetics
Classification: Uncertain significance for Primary ciliary dyskinesia. Last evaluated: 2016-04-05. Review status: criteria provided, single submitter. Criteria: Ambry Variant Classification Scheme 2023. Collection method: clinical testing. Allele origin: germline.
Comment: The p.S172A variant (also known as c.514T>G), located in coding exon 3 of the DNAH11 gene, results from a T to G substitution at nucleotide position 514. The serine at codon 172 is replaced by alanine, an amino acid with similar properties. This variant was not reported in population based cohorts in the following databases: Database of Single Nucleotide Polymorphisms (dbSNP), NHLBI Exome Sequencing Project (ESP), and 1000 Genomes Project. In the ESP, this variant was not observed in 5873 samples (11746 alleles) with coverage at this position. This amino acid position is well conserved in available vertebrate species. In addition, this alteration is predicted to be tolerated by in silico analysis. Since supporting evidence is limited at this time, the clinical significance of this variant remains unclear.